The following is an entry in ClinVar:

NM_001167.4(XIAP):c.990_991del (p.Leu331fs)

Gene: XIAP (X-linked inhibitor of apoptosis; plus strand). Cytogenetic location: Xq25.
Variant type: Deletion.
Coding change: c.990_991del on transcript NM_001167.4 (MANE Select); coding-DNA positions 990 to 991, 2 bases deleted (GT; older notation c.990_991delGT).
Protein change: p.Leu331fs; shifts the reading frame from leucine 331.
Molecular consequence: frameshift variant. On other transcripts: non-coding transcript variant (2).
Genome position (GRCh38, 1-based): chrX:123,891,250-123,891,251, GT deleted; deleting any 2 consecutive bases within chrX:123,891,249-123,891,251 gives the same sequence; the c. name uses the placement nearest the transcript's 3' end. VCF-style (leftmost placement, unchanged base first): chrX-123891248-CTG-C. GRCh37 (hg19) VCF-style: chrX-123025098-CTG-C.
Other names: c.990_991del, p.Leu331fs (NM_001204401.2, NM_001378590.1, NM_001378591.1 and 1 more transcripts); short protein forms L331fs.
Identifiers: ClinVar variation 2019044 (VCV002019044.4), dbSNP rs2522596304, ClinGen allele CA2580100293.

ClinVar aggregate classification (germline): Pathogenic (1 of 4 stars; one submission).

Conditions:
X-linked lymphoproliferative disease due to XIAP deficiency. Also called: XIAP-Related Lymphoproliferative Disease, X-Linked; XIAP DEFICIENCY. Identifiers: Orphanet 2442, Orphanet 538934, MedGen C1845076, MONDO:0010385, OMIM 300635.

Submission:

Labcorp Genetics (formerly Invitae), Labcorp
Classification: Pathogenic for X-linked lymphoproliferative disease due to XIAP deficiency. Last evaluated: 2022-09-13. Review status: criteria provided, single submitter. Criteria: Invitae Variant Classification Sherloc (09022015). Collection method: clinical testing. Allele origin: germline.
Comment: This variant has not been reported in the literature in individuals affected with XIAP-related conditions. This sequence change creates a premature translational stop signal (p.Leu331Argfs*18) in the XIAP gene. It is expected to result in an absent or disrupted protein product. Loss-of-function variants in XIAP are known to be pathogenic (PMID: 17080092, 21119115, 25666262). This variant is not present in population databases (gnomAD no frequency). For these reasons, this variant has been classified as Pathogenic.

Literature cited by the submitters: PubMed 17080092; PubMed 21119115; PubMed 25666262.